The following is an entry in ClinVar:

NM_001844.5(COL2A1):c.2841A>C (p.Gln947His)

Gene: COL2A1 (collagen type II alpha 1 chain; minus strand). Cytogenetic location: 12q13.11.
Variant type: single nucleotide variant.
Coding change: c.2841A>C on transcript NM_001844.5 (MANE Select); coding-DNA position 2841, A replaced by C.
Protein change: p.Gln947His; replaces glutamine 947 with histidine.
Molecular consequence: missense variant.
Genome position (GRCh38, 1-based): chr12:47,978,651, T>G on the plus strand (A>C on the coding strand, the complement: COL2A1 is on the minus strand). VCF-style: chr12-47978651-T-G. GRCh37 (hg19) VCF-style: chr12-48372434-T-G.
Other names: c.2634A>C, p.Gln878His (NM_033150.3); c.2841A>C (NM_001844.4); short protein forms Q947H, Q878H.
Identifiers: ClinVar variation 2146928 (VCV002146928.6), dbSNP rs750729151, ClinGen allele CA6534973.

ClinVar aggregate classification (germline): Conflicting classifications of pathogenicity. Review status: criteria provided, conflicting classifications (1 of 4 stars). 3 submissions from 3 submitters: Uncertain significance (2); Likely benign (1). Last evaluated 2025-12-12.

Conditions:
COL2A1-related disorder. Also called: COL2A1-related condition; COL2A1-related disorders.
Inborn genetic diseases. Identifiers: MedGen C0950123, MeSH D030342.

Allele frequency attached by ClinVar (database versions not stated): gnomAD 0.00001; ExAC 0.00003.
gnomAD v4.1: 7 of 1,613,312 alleles (0.00043%); highest among the groups gnomAD compares: Admixed American, 0.012%; no homozygotes.

Submissions (3):

Labcorp Genetics (formerly Invitae), Labcorp
Classification: Likely benign. Last evaluated: 2025-12-12. Review status: criteria provided, single submitter. Criteria: Invitae Variant Classification Sherloc (09022015). Collection method: clinical testing. Allele origin: germline.

PreventionGenetics, part of Exact Sciences
Classification: Uncertain significance for COL2A1-related condition. Last evaluated: 2024-10-17. Review status: criteria provided, single submitter. Criteria: ACMG Guidelines, 2015. Collection method: clinical testing. Allele origin: germline.
Comment: The COL2A1 c.2841A>C variant is predicted to result in the amino acid substitution p.Gln947His. To our knowledge, this variant has not been reported in the literature. This variant is present in 0.014% of alleles in individuals of Latino descent in gnomAD, which may be too common to be an unreported cause of disease. Although we suspect that this variant may be benign, at this time, the clinical significance of this variant is uncertain due to the absence of conclusive functional and genetic evidence.

Ambry Genetics
Classification: Uncertain significance for Inborn genetic diseases. Last evaluated: 2024-05-20. Review status: criteria provided, single submitter. Criteria: Ambry Variant Classification Scheme 2023. Collection method: clinical testing. Allele origin: germline.